The following is an entry in ClinVar:

NM_172107.4(KCNQ2):c.1520C>A (p.Ser507Ter)

Gene: KCNQ2 (potassium voltage-gated channel subfamily Q member 2; minus strand). Cytogenetic location: 20q13.33.
Variant type: single nucleotide variant.
Coding change: c.1520C>A on transcript NM_172107.4 (MANE Select); coding-DNA position 1520, C replaced by A.
Protein change: p.Ser507Ter; replaces serine 507 with a stop codon.
Molecular consequence: nonsense.
Genome position (GRCh38, 1-based): chr20:63,414,908, G>T on the plus strand (C>A on the coding strand, the complement: KCNQ2 is on the minus strand). VCF-style: chr20-63414908-G-T. GRCh37 (hg19) VCF-style: chr20-62046261-G-T.
Other names: c.1466C>A, p.Ser489Ter (NM_001382235.1, NM_172106.3); c.1436C>A, p.Ser479Ter (NM_004518.6); c.1430C>A, p.Ser477Ter (NM_172108.5); c.1520C>A (NM_172107.3); short protein forms S477*, S507*, S479*, S489*.
Identifiers: ClinVar variation 2842320 (VCV002842320.4), dbSNP rs2516185103, ClinGen allele CA409646060.

ClinVar aggregate classification (germline): Pathogenic/Likely pathogenic. Review status: criteria provided, multiple submitters, no conflicts (2 of 4 stars). 2 submissions from 2 submitters: Pathogenic (1); Likely pathogenic (1). Last evaluated 2024-07-30.

Conditions:
Early-infantile DEE. Also called: Early infantile epileptic encephalopathy; Early infantile epileptic encephalopathy with suppression bursts; Ohtahara syndrome. Identifiers: Orphanet 1934, MedGen C0393706, MONDO:0800491.

Submissions (2):

Athena Diagnostics
Classification: Likely pathogenic. Last evaluated: 2024-07-30. Review status: criteria provided, single submitter. Criteria: Athena Diagnostics Criteria. Collection method: clinical testing. Allele origin: unknown.
Comment: This variant is expected to result in the loss of a functional protein. This variant has not been reported in large, multi-ethnic general populations.

Labcorp Genetics (formerly Invitae), Labcorp
Classification: Pathogenic for Early-infantile DEE. Last evaluated: 2023-09-25. Review status: criteria provided, single submitter. Criteria: Invitae Variant Classification Sherloc (09022015). Collection method: clinical testing. Allele origin: germline.
Comment: For these reasons, this variant has been classified as Pathogenic. This variant has not been reported in the literature in individuals affected with KCNQ2-related conditions. This variant is not present in population databases (gnomAD no frequency). This sequence change creates a premature translational stop signal (p.Ser507*) in the KCNQ2 gene. It is expected to result in an absent or disrupted protein product. Loss-of-function variants in KCNQ2 are known to be pathogenic (PMID: 14534157, 23692823, 27779742).

Literature cited by the submitters: PubMed 14534157 (cited by Labcorp Genetics (formerly Invitae), Labcorp); PubMed 23692823 (cited by Labcorp Genetics (formerly Invitae), Labcorp); PubMed 27779742 (cited by Labcorp Genetics (formerly Invitae), Labcorp).